The following is an entry in ClinVar:

NM_201402.3(USP17L2):c.148G>A (p.Asp50Asn)

Genes: FAM66D (family with sequence similarity 66 member D), USP17L2 (ubiquitin specific peptidase 17 like family member 2; minus strand). Cytogenetic location: 8p23.1.
Variant type: single nucleotide variant.
Coding change: c.148G>A on transcript NM_201402.3 (MANE Select); coding-DNA position 148, G replaced by A.
Protein change: p.Asp50Asn; replaces aspartic acid 50 with asparagine.
Molecular consequence: missense variant.
Genome position (GRCh38, 1-based): chr8:12,138,613, C>T on the plus strand (G>A on the coding strand, the complement: USP17L2 is on the minus strand). VCF-style: chr8-12138613-C-T. GRCh37 (hg19) VCF-style: chr8-11996122-C-T.
Other names: short protein forms D50N.
Identifiers: ClinVar variation 2658429 (VCV002658429.24), dbSNP rs199985479, ClinGen allele CA4635279.
Genomic context (GRCh38, chr8:12,138,613, plus strand): 5'-GAGGAAGCTTCTTCCTGGGAGCAAGCTGTCTTGCCACAGGAGCCAAATCATCACAGAGGT[C>T]GACACGGGCCTCAGATGAGAGTGGTGACTTCTCAGGGAGAGAAGTCCGCTGGATTTCAGC-3'
Protein context (NP_958804.2, residues 40-60): KSPLSSEARV[Asp50Asn]LCDDLAPVAR

ClinVar aggregate classification (germline): Likely benign (1 of 4 stars; one submission).

Allele frequency attached by ClinVar (database versions not stated): gnomAD 0.00018; ESP Exome Variant Server 0.00025.
gnomAD v4.1: 341 of 1,530,522 alleles (0.022%); highest among the groups gnomAD compares: Middle Eastern, 0.34%; 17 homozygotes.

Submission:

CeGaT Center for Human Genetics Tuebingen
Classification: Likely benign. Last evaluated: 2023-02-01. Review status: criteria provided, single submitter. Criteria: CeGaT Center For Human Genetics Tuebingen Variant Classification Criteria Version 2. Collection method: clinical testing. Allele origin: germline. Affected: yes. Observed: 1 variant allele.
Comment: USP17L2: BS2